The following is an entry in ClinVar:

ClinVar aggregate classification (germline): Uncertain significance. Review status: criteria provided, multiple submitters, no conflicts (2 of 4 stars). 2 submissions from 2 submitters: Uncertain significance (2). Last evaluated 2022-12-09.

Conditions:
Inborn genetic diseases. Identifiers: MedGen C0950123, MeSH D030342.

Allele frequency attached by ClinVar (database versions not stated): gnomAD 0.00001; gnomAD exomes 0.00001; TOPMed 0.00001; ExAC 0.00003.

Submissions (2):

Labcorp Genetics (formerly Invitae), Labcorp
Classification: Uncertain significance. Last evaluated: 2022-12-09. Review status: criteria provided, single submitter. Criteria: Invitae Variant Classification Sherloc (09022015). Collection method: clinical testing. Allele origin: germline.
Comment: In summary, the available evidence is currently insufficient to determine the role of this variant in disease. Therefore, it has been classified as a Variant of Uncertain Significance. Advanced modeling of protein sequence and biophysical properties (such as structural, functional, and spatial information, amino acid conservation, physicochemical variation, residue mobility, and thermodynamic stability) performed at Invitae indicates that this missense variant is expected to disrupt ASAH1 protein function. This variant has not been reported in the literature in individuals affected with ASAH1-related conditions. The frequency data for this variant in the population databases is considered unreliable, as metrics indicate poor data quality at this position in the gnomAD database. This sequence change replaces histidine, which is basic and polar, with tyrosine, which is neutral and polar, at codon 157 of the ASAH1 protein (p.His157Tyr).

Ambry Genetics
Classification: Uncertain significance for Inborn genetic diseases. Last evaluated: 2021-08-30. Review status: criteria provided, single submitter. Criteria: Ambry Variant Classification Scheme 2023. Collection method: clinical testing. Allele origin: germline.

NM_177924.5(ASAH1):c.469C>T (p.His157Tyr)

Gene: ASAH1 (N-acylsphingosine amidohydrolase 1; minus strand). Cytogenetic location: 8p22.
Variant type: single nucleotide variant.
Coding change: c.469C>T on transcript NM_177924.5 (MANE Select); coding-DNA position 469, C replaced by T.
Protein change: p.His157Tyr; replaces histidine 157 with tyrosine.
Molecular consequence: missense variant.
Genome position (GRCh38, 1-based): chr8:18,063,219, G>A on the plus strand (C>T on the coding strand, the complement: ASAH1 is on the minus strand). VCF-style: chr8-18063219-G-A. GRCh37 (hg19) VCF-style: chr8-17920728-G-A.
Other names: c.451C>T, p.His151Tyr (NM_001127505.3); c.274C>T, p.His92Tyr (NM_001363743.2); c.517C>T, p.His173Tyr (NM_004315.6); short protein forms H92Y, H173Y, H157Y, H151Y.
Identifiers: ClinVar variation 2247164 (VCV002247164.5), dbSNP rs757410765, ClinGen allele CA4650813.